The following is an entry in ClinVar:

ClinVar aggregate classification (germline): Uncertain significance (1 of 4 stars; one submission).

Conditions:
Pigmentary pallidal degeneration (NBIA1). Also called: Pantothenate Kinase-Associated Neurodegeneration; Neuroaxonal dystrophy, late infantile; Hallervorden-Spatz disease; Neurodegeneration with brain iron accumulation 1; HARP SYNDROME; PKAN NEUROAXONAL DYSTROPHY, JUVENILE-ONSET. Identifiers: Orphanet 157850, MedGen C0018523, MONDO:0009319, OMIM 234200.

gnomAD v4.1: 5 of 1,614,066 alleles (0.00031%); highest among the groups gnomAD compares: South Asian, 0.0044%; no homozygotes.

Submission:

3billion
Classification: Uncertain significance for Pigmentary pallidal degeneration. Last evaluated: 2025-10-03. Review status: criteria provided, single submitter. Criteria: ACMG Guidelines, 2015. Collection method: clinical testing. Allele origin: germline. Affected: yes.
Comment: The variant is observed at an extremely low frequency in the gnomAD v4.1.0 dataset (total allele frequency: <0.001%). Predicted Consequence/Location: Missense variant In silico tool predictions suggest damaging effect of the variant on gene or gene product [REVEL: 0.96 (>=0.6, sensitivity 0.68 and specificity 0.92); 3Cnet: 0.99 (> 0.75, sensitivity 0.96 and precision 0.92)]. A different missense change at the same codon (p.Ile280Phe) has been reported to be associated with PANK2-related disorder (ClinVar ID: VCV003768705 /PMID: 23166001). Therefore, this variant is classified as VUS according to the recommendation of ACMG/AMP guideline.

Literature cited by the submitters: PubMed 23166001.

NM_001386393.1(PANK2):c.839T>A (p.Ile280Asn)

Gene: PANK2 (pantothenate kinase 2; plus strand). Cytogenetic location: 20p13.
Variant type: single nucleotide variant.
Coding change: c.839T>A on transcript NM_001386393.1 (MANE Select); coding-DNA position 839, T replaced by A.
Protein change: p.Ile280Asn; replaces isoleucine 280 with asparagine.
Molecular consequence: missense variant. On other transcripts: 5 prime UTR variant (1), non-coding transcript variant (1).
Genome position (GRCh38, 1-based): chr20:3,910,764, T>A. VCF-style: chr20-3910764-T-A. GRCh37 (hg19) VCF-style: chr20-3891411-T-A.
Other names: c.296T>A, p.Ile99Asn (NM_001324191.2, NM_024960.6, NM_153640.4); c.-140T>A (NM_001324193.2); c.1169T>A, p.Ile390Asn (NM_153638.4); short protein forms I280N, I390N, I99N.
Identifiers: ClinVar variation 4853879 (VCV004853879.1).
Genomic context (GRCh38, chr20:3,910,764, plus strand): 5'-AAAAGTGTCAGAAGTTACCATTTGATTTGAAAAATCCGTATCCTCTGCTTCTGGTGAACA[T>A]TGGCTCAGGGGTTAGCATCTTAGCAGTATATTCCAAAGATAATTACAAACGGGTCACAGG-3'
Protein context (NP_001373322.1, residues 270-290): KNPYPLLLVN[Ile280Asn]GSGVSILAVY